The following is an entry in ClinVar:

ClinVar aggregate classification (germline): Conflicting classifications of pathogenicity. Review status: criteria provided, conflicting classifications (1 of 4 stars). 7 submissions from 7 submitters: Pathogenic (1); Likely pathogenic (4); Uncertain significance (1). 1 of the submissions does not count toward it. Last evaluated 2025-05-23.

Conditions:
Bifunctional peroxisomal enzyme deficiency (DBIF). Also called: PBFE DEFICIENCY; D-bifunctional protein deficiency; DBP DEFICIENCY. Identifiers: Orphanet 300, MedGen C0342870, MONDO:0009855, OMIM 261515. Disease mechanism: loss of function.
HSD17B4-related disorder. Also called: HSD17B4-related condition; HSD17B4-related disorders.
Perrault syndrome. Also called: Gonadal dysgenesis with auditory dysfunction, autosomal recessive inheritance. Identifiers: Orphanet 2855, MedGen C0685838, MONDO:0017312.

Allele frequency attached by ClinVar (database versions not stated): gnomAD 0.00001; ExAC 0.00002; gnomAD exomes 0.00002; TOPMed 0.00003.
gnomAD v4.1: 25 of 1,612,732 alleles (0.0016%); highest among the groups gnomAD compares: Admixed American, 0.0033%; no homozygotes.

Submissions (7):

GeneDx
Classification: Likely pathogenic. Last evaluated: 2025-05-23. Review status: criteria provided, single submitter. Criteria: GeneDx Variant Classification Process June 2021. Collection method: clinical testing. Allele origin: germline. Affected: yes.
Comment: Not observed at significant frequency in large population cohorts (gnomAD); In silico analysis supports that this missense variant has a deleterious effect on protein structure/function; This variant is associated with the following publications: (PMID: 32904102)

Natera, Inc.
Classification: Likely pathogenic for Bifunctional peroxisomal enzyme deficiency. Last evaluated: 2025-04-21. Review status: criteria provided, single submitter. Criteria: Natera Variant Classification Schema (03/2026). Collection method: clinical testing. Allele origin: germline.
Comment: The c.752G>A variant in HSD17B4 is a missense variant predicted to cause substitution of arginine to glutamine at amino acid 251. This variant is rare in the general population with a frequency below the threshold expected for the associated phenotype(s). This variant has been observed in one or more individuals affected with the associated recessive disease, as either homozygous or compound heterozygous with a second variant (PMID: 32904102). Computational prediction algorithms indicate this variant is likely to affect gene or protein function. Given the available evidence, this variant is classified as Likely Pathogenic.

Baylor Genetics
Classification: Likely pathogenic for Bifunctional peroxisomal enzyme deficiency. Last evaluated: 2024-01-04. Review status: criteria provided, single submitter. Criteria: ACMG Guidelines, 2015. Collection method: clinical testing. Allele origin: unknown.

Labcorp Genetics (formerly Invitae), Labcorp
Classification: Pathogenic for Perrault syndrome; Bifunctional peroxisomal enzyme deficiency. Last evaluated: 2023-09-22. Review status: criteria provided, single submitter. Criteria: Invitae Variant Classification Sherloc (09022015). Collection method: clinical testing. Allele origin: germline.
Comment: ClinVar contains an entry for this variant (Variation ID: 872350). This missense change has been observed in individual(s) with clinical features of D-bifunctional protein deficiency (PMID: 32904102). In at least one individual the data is consistent with being in trans (on the opposite chromosome) from a pathogenic variant. It has also been observed to segregate with disease in related individuals. This variant is present in population databases (rs773024366, gnomAD 0.007%). This sequence change replaces arginine, which is basic and polar, with glutamine, which is neutral and polar, at codon 251 of the HSD17B4 protein (p.Arg251Gln). Advanced modeling of protein sequence and biophysical properties (such as structural, functional, and spatial information, amino acid conservation, physicochemical variation, residue mobility, and thermodynamic stability) performed at Invitae indicates that this missense variant is expected to disrupt HSD17B4 protein function. For these reasons, this variant has been classified as Pathogenic.

CeGaT Center for Human Genetics Tuebingen
Classification: Uncertain significance. Last evaluated: 2019-08-01. Review status: criteria provided, single submitter. Criteria: CeGaT Center For Human Genetics Tuebingen Variant Classification Criteria Version 2. Collection method: clinical testing. Allele origin: germline. Affected: yes. Observed: 1 variant allele.

Neuberg Centre For Genomic Medicine, NCGM
Classification: Likely pathogenic for Bifunctional peroxisomal enzyme deficiency. Review status: criteria provided, single submitter. Criteria: ACMG Guidelines, 2015. Collection method: clinical testing. Allele origin: germline. Inheritance: Autosomal recessive inheritance. Affected: yes.

PreventionGenetics, part of Exact Sciences
Classification: Uncertain significance for HSD17B4-related condition. Last evaluated: 2024-02-27. Review status: no assertion criteria provided. Collection method: clinical testing. Allele origin: germline. Not counted in ClinVar's aggregate classification.
Comment: The HSD17B4 c.752G>A variant is predicted to result in the amino acid substitution p.Arg251Gln. This variant was reported together with a second HSD17B4 variant in two unrelated individuals and in two monozygotic twins with D-bifunctional protein deficiency (Landau et al. 2020. PubMed ID: 32904102). In the twins the two HSD17B4 variants were confirmed to be on opposite alleles (Landau et al. 2020. PubMed ID: 32904102). This variant is reported in 0.0062% of alleles in individuals of African descent in gnomAD. Although we suspect that this variant is pathogenic, at this time, the clinical significance of this variant is uncertain due to the absence of conclusive functional and genetic evidence.

Literature cited by the submitters: PubMed 32904102 (cited by Natera, Inc. and Labcorp Genetics (formerly Invitae), Labcorp).

NM_000414.4(HSD17B4):c.752G>A (p.Arg251Gln)

Gene: HSD17B4 (hydroxysteroid 17-beta dehydrogenase 4; plus strand). Cytogenetic location: 5q23.1.
Variant type: single nucleotide variant.
Coding change: c.752G>A on transcript NM_000414.4 (MANE Select); coding-DNA position 752, G replaced by A.
Protein change: p.Arg251Gln; replaces arginine 251 with glutamine.
Molecular consequence: missense variant. On other transcripts: non-coding transcript variant (2).
Genome position (GRCh38, 1-based): chr5:119,493,830, G>A. VCF-style: chr5-119493830-G-A. GRCh37 (hg19) VCF-style: chr5-118829525-G-A.
Other names: c.827G>A, p.Arg276Gln (NM_001199291.3); c.698G>A, p.Arg233Gln (NM_001199292.2); c.680G>A, p.Arg227Gln (NM_001292027.2); c.332G>A, p.Arg111Gln (NM_001292028.2); c.743G>A, p.Arg248Gln (NM_001374497.1); c.752G>A, p.Arg251Gln (NM_001374498.1); c.425G>A, p.Arg142Gln (NM_001374499.1); c.311G>A, p.Arg104Gln (NM_001374500.1); and 1 more; short protein forms R111Q, R248Q, R104Q, R233Q, R142Q, R227Q, R251Q, R114Q.
Identifiers: ClinVar variation 872350 (VCV000872350.52), dbSNP rs773024366, ClinGen allele CA3381979.